The following is an entry in ClinVar:

NM_001382391.1(CSPP1):c.2194C>T (p.Leu732Phe)

Gene: CSPP1 (centrosome and spindle pole associated protein 1; plus strand). Cytogenetic location: 8q13.2.
Variant type: single nucleotide variant.
Coding change: c.2194C>T on transcript NM_001382391.1 (MANE Select); coding-DNA position 2194, C replaced by T.
Protein change: p.Leu732Phe; replaces leucine 732 with phenylalanine.
Molecular consequence: missense variant.
Genome position (GRCh38, 1-based): chr8:67,154,089, C>T. VCF-style: chr8-67154089-C-T. GRCh37 (hg19) VCF-style: chr8-68066324-C-T.
Other names: c.1144C>T, p.Leu382Phe (NM_001291339.2); c.2113C>T, p.Leu705Phe (NM_001363131.2); c.1999C>T, p.Leu667Phe (NM_001363132.2); c.1918C>T, p.Leu640Phe (NM_001363133.2); c.2260C>T, p.Leu754Phe (NM_001364869.1); c.2080C>T, p.Leu694Phe (NM_001364870.1); c.2179C>T, p.Leu727Phe (NM_024790.7); short protein forms L382F, L640F, L694F, L754F, L705F, L727F, L732F, L667F.
Identifiers: ClinVar variation 1465805 (VCV001465805.6), dbSNP rs2129559060, ClinGen allele CA371187918.

ClinVar aggregate classification (germline): Uncertain significance (1 of 4 stars; one submission).

Conditions:
Joubert syndrome 21 (JBTS21). Identifiers: MedGen C3810212, MONDO:0014288, OMIM 615636.

Allele frequency attached by ClinVar (database versions not stated): gnomAD exomes below 0.00001.
gnomAD v4.1: 2 of 1,603,094 alleles (0.00012%); highest among the groups gnomAD compares: Non-Finnish European, 0.00017%; no homozygotes.

Submission:

Labcorp Genetics (formerly Invitae), Labcorp
Classification: Uncertain significance for Joubert syndrome 21. Last evaluated: 2024-02-23. Review status: criteria provided, single submitter. Criteria: Invitae Variant Classification Sherloc (09022015). Collection method: clinical testing. Allele origin: germline.
Comment: This sequence change replaces leucine, which is neutral and non-polar, with phenylalanine, which is neutral and non-polar, at codon 727 of the CSPP1 protein (p.Leu727Phe). This variant is not present in population databases (gnomAD no frequency). This variant has not been reported in the literature in individuals affected with CSPP1-related conditions. ClinVar contains an entry for this variant (Variation ID: 1465805). An algorithm developed to predict the effect of missense changes on protein structure and function (PolyPhen-2) suggests that this variant is likely to be disruptive. In summary, the available evidence is currently insufficient to determine the role of this variant in disease. Therefore, it has been classified as a Variant of Uncertain Significance.